The following is an entry in ClinVar:

NM_001267550.2(TTN):c.48638+1G>C

Genes: TTN-AS1 (TTN antisense RNA 1; plus strand), TTN (titin; minus strand), LOC126806426 (BRD4-independent group 4 enhancer GRCh37_chr2:179478848-179480047; plus strand). Cytogenetic location: 2q31.2.
Variant type: single nucleotide variant.
Coding change: c.48638+1G>C on transcript NM_001267550.2 (MANE Select); the canonical splice donor site of the intron after coding-DNA position 48638, G replaced by C.
Molecular consequence: splice donor variant.
Genome position (GRCh38, 1-based): chr2:178,615,306, C>G on the plus strand (G>C on the coding strand, the complement: TTN is on the minus strand). VCF-style: chr2-178615306-C-G. GRCh37 (hg19) VCF-style: chr2-179480033-C-G.
Other names: c.21443+1G>C (NM_003319.4); c.22019+1G>C (NM_133437.4); c.21818+1G>C (NM_133432.3); c.40934+1G>C (NM_133378.4); c.43715+1G>C (NM_001256850.1).
Identifiers: ClinVar variation 3340913 (VCV003340913.3).

ClinVar aggregate classification (germline): Likely pathogenic. Review status: criteria provided, multiple submitters, no conflicts (2 of 4 stars). 2 submissions from 2 submitters: Likely pathogenic (2). Last evaluated 2024-05-17.

Conditions:
Dilated cardiomyopathy 1G (CMD1G). Identifiers: Orphanet 154, MedGen C1858763, MONDO:0011400, OMIM 604145.
Autosomal recessive limb-girdle muscular dystrophy type 2J (LGMDR10). Also called: Limb-girdle muscular dystrophy, type 2J; MUSCULAR DYSTROPHY, LIMB-GIRDLE, AUTOSOMAL RECESSIVE 10. Identifiers: Orphanet 140922, MedGen C1837342, MONDO:0012127, OMIM 608807.

Submissions (2):

Labcorp Genetics (formerly Invitae), Labcorp
Classification: Likely pathogenic for Dilated cardiomyopathy 1G; Autosomal recessive limb-girdle muscular dystrophy type 2J. Last evaluated: 2024-05-17. Review status: criteria provided, single submitter. Criteria: Invitae Variant Classification Sherloc (09022015). Collection method: clinical testing. Allele origin: germline.
Comment: This sequence change affects a donor splice site in intron 259 of the TTN gene. It is expected to disrupt RNA splicing and likely results in a truncated or disrupted TTN protein. This variant is not present in population databases (gnomAD no frequency). Disruption of this splice site has been observed in individual(s) with clinical features of dilated cardiomyopathy (PMID: 31983221). Algorithms developed to predict the effect of sequence changes on RNA splicing suggest that this variant may disrupt the consensus splice site. This variant is located in the A band of TTN (PMID: 25589632). Truncating variants in this region are significantly overrepresented in patients affected with dilated cardiomyopathy (PMID: 25589632). Truncating variants in this region have also been reported in individuals affected with autosomal recessive centronuclear myopathy (PMID: 23975875). In summary, the currently available evidence indicates that the variant is pathogenic, but additional data are needed to prove that conclusively. Therefore, this variant has been classified as Likely Pathogenic.

GeneDx
Classification: Likely pathogenic. Last evaluated: 2023-08-29. Review status: criteria provided, single submitter. Criteria: GeneDx Variant Classification Process June 2021. Collection method: clinical testing. Allele origin: germline. Affected: yes.
Comment: Canonical splice site variant predicted to result in a null allele in a gene for which loss of function is a known mechanism of disease; Located in the A-band region of TTN in which the majority of loss of function variants have been associated with autosomal dominant titinopathies (Herman et al., 2012); Identified in a patient with DCM, although patient-specific clinical detail was not provided (Mazzarotto et al., 2020); Not observed at significant frequency in large population cohorts (gnomAD); This variant is associated with the following publications: (PMID: 22335739, 31983221)

Literature cited by the submitters: PubMed 31983221 (cited by Labcorp Genetics (formerly Invitae), Labcorp); PubMed 25589632 (cited by Labcorp Genetics (formerly Invitae), Labcorp); PubMed 23975875 (cited by Labcorp Genetics (formerly Invitae), Labcorp).